The following is an entry in ClinVar:

NM_000038.6(APC):c.6866C>A (p.Thr2289Lys)

Gene: APC (APC regulator of Wnt signaling pathway; plus strand). Cytogenetic location: 5q22.2.
Variant type: single nucleotide variant.
Coding change: c.6866C>A on transcript NM_000038.6 (MANE Select); coding-DNA position 6866, C replaced by A.
Protein change: p.Thr2289Lys; replaces threonine 2289 with lysine.
Molecular consequence: missense variant.
Genome position (GRCh38, 1-based): chr5:112,842,460, C>A. VCF-style: chr5-112842460-C-A. GRCh37 (hg19) VCF-style: chr5-112178157-C-A.
Other names: c.6866C>A, p.Thr2289Lys (NM_001127510.3, NM_001354895.2); c.6812C>A, p.Thr2271Lys (NM_001127511.3); c.6920C>A, p.Thr2307Lys (NM_001354896.2); c.6896C>A, p.Thr2299Lys (NM_001354897.2); c.6791C>A, p.Thr2264Lys (NM_001354898.2); c.6782C>A, p.Thr2261Lys (NM_001354899.2); c.6743C>A, p.Thr2248Lys (NM_001354900.2); c.6689C>A, p.Thr2230Lys (NM_001354901.2); and 5 more; short protein forms T2289K, T2271K, T2163K, T2307K, T2006K, T2188K, T2230K, T2248K.
Identifiers: ClinVar variation 470066 (VCV000470066.19), dbSNP rs876660654, ClinGen allele CA16036318.

ClinVar aggregate classification (germline): Uncertain significance. Review status: criteria provided, multiple submitters, no conflicts (2 of 4 stars). 4 submissions from 4 submitters: Uncertain significance (4). Last evaluated 2025-07-30.

Conditions:
Hereditary cancer-predisposing syndrome. Also called: Hereditary neoplastic syndrome; Neoplastic Syndromes, Hereditary; Tumor predisposition; Hereditary Cancer Syndrome. Identifiers: Orphanet 140162, MedGen C0027672, MeSH D009386, MONDO:0015356.
Familial adenomatous polyposis 1 (FAP1). Also called: POLYPOSIS, ADENOMATOUS INTESTINAL; FAMILIAL ADENOMATOUS POLYPOSIS 1, ATTENUATED. Identifiers: MedGen C2713442, MONDO:0021056, OMIM 175100. Disease mechanism: loss of function.
Classic or attenuated familial adenomatous polyposis. Identifiers: MedGen CN372698, MONDO:0021057.

gnomAD v4.1: 1 of 1,613,960 alleles (0.000062%); highest among the groups gnomAD compares: Admixed American, 0.0017%; no homozygotes.

Submissions (4):

Ambry Genetics
Classification: Uncertain significance for Hereditary cancer-predisposing syndrome. Last evaluated: 2025-07-30. Review status: criteria provided, single submitter. Criteria: Ambry Variant Classification Scheme 2023. Collection method: clinical testing. Allele origin: germline.
Comment: The p.T2289K variant (also known as c.6866C>A), located in coding exon 15 of the APC gene, results from a C to A substitution at nucleotide position 6866. The threonine at codon 2289 is replaced by lysine, an amino acid with similar properties. This amino acid position is not well conserved in available vertebrate species. In addition, in silico predictors for this gene do not accurately predict pathogenicity. Missense alterations in APC are not a common cause of disease (Spier I et al. Genet Med. 2024 Feb;26(2):100992). Based on the available evidence, the clinical significance of this variant remains unclear.

GeneDx
Classification: Uncertain significance. Last evaluated: 2024-09-09. Review status: criteria provided, single submitter. Criteria: GeneDx Variant Classification Process June 2021. Collection method: clinical testing. Allele origin: germline. Affected: yes.
Comment: Not observed at significant frequency in large population cohorts (gnomAD); In silico analysis indicates that this missense variant does not alter protein structure/function; Has not been previously published as pathogenic or benign to our knowledge

All of Us Research Program, National Institutes of Health
Classification: Uncertain significance for Classic or attenuated familial adenomatous polyposis. Last evaluated: 2023-05-16. Review status: criteria provided, single submitter. Criteria: ACMG Guidelines, 2015. Collection method: clinical testing. Allele origin: germline. Inheritance: Autosomal dominant inheritance. Observed: 1 variant allele, 1 heterozygote.
Comment: This missense variant replaces threonine with lysine at codon 2289 of the APC protein. Computational prediction suggests that this variant may not impact protein structure and function (internally defined REVEL score threshold <= 0.5, PMID: 27666373). To our knowledge, functional studies have not been reported for this variant. This variant has not been reported in individuals affected with APC-related disorders in the literature. This variant has been identified in 1/250938 chromosomes in the general population by the Genome Aggregation Database (gnomAD). The available evidence is insufficient to determine the role of this variant in disease conclusively. Therefore, this variant is classified as a Variant of Uncertain Significance.

This study involves interpretation of variants in research participants for the purpose of population health screening. Participant phenotype was not available at the time of variant classification. Additional details can be found in publication PMID: 35346344, PMCID: PMC8962531

Labcorp Genetics (formerly Invitae), Labcorp
Classification: Uncertain significance for Familial adenomatous polyposis 1. Last evaluated: 2022-11-23. Review status: criteria provided, single submitter. Criteria: Invitae Variant Classification Sherloc (09022015). Collection method: clinical testing. Allele origin: germline.
Comment: Advanced modeling of protein sequence and biophysical properties (such as structural, functional, and spatial information, amino acid conservation, physicochemical variation, residue mobility, and thermodynamic stability) performed at Invitae indicates that this missense variant is not expected to disrupt APC protein function. This sequence change replaces threonine, which is neutral and polar, with lysine, which is basic and polar, at codon 2289 of the APC protein (p.Thr2289Lys). This variant is present in population databases (no rsID available, gnomAD 0.003%). This variant has not been reported in the literature in individuals affected with APC-related conditions. ClinVar contains an entry for this variant (Variation ID: 470066). In summary, the available evidence is currently insufficient to determine the role of this variant in disease. Therefore, it has been classified as a Variant of Uncertain Significance.